The following is an entry in ClinVar:

ClinVar aggregate classification (germline): Benign. Review status: criteria provided, multiple submitters, no conflicts (2 of 4 stars). 13 submissions from 13 submitters: Benign (9). 4 of the submissions do not count toward it. Last evaluated 2026-02-04.

Conditions:
Tyrosinemia type I (TYRSN1). Also called: FAH DEFICIENCY; HEPATORENAL TYROSINEMIA; Deficiency of fumarylacetoacetase; Tyrosinemia type 1; Fumarylacetoacetase deficiency. Identifiers: Orphanet 882, MedGen C0268490, MONDO:0010161, OMIM 276700. Disease mechanism: loss of function.

Allele frequency attached by ClinVar (database versions not stated): ESP Exome Variant Server 0.44633; TOPMed 0.44911; gnomAD 0.45099 and 0.46023; 1000 Genomes Project 30x 0.49625; 1000 Genomes Project 0.50679; gnomAD exomes 0.51115 and 0.51705; ExAC 0.51406.
gnomAD v4.1: 821,646 of 1,604,670 alleles (51%); highest among the groups gnomAD compares: East Asian, 77%; 215,209 homozygotes.

Submissions (13):

Labcorp Genetics (formerly Invitae), Labcorp
Classification: Benign for Tyrosinemia type I. Last evaluated: 2026-02-04. Review status: criteria provided, single submitter. Criteria: Invitae Variant Classification Sherloc (09022015). Collection method: clinical testing. Allele origin: germline.

Blueprint Genetics
Classification: Benign. Last evaluated: 2024-11-27. Review status: criteria provided, single submitter. Criteria: ACMG Guidelines, 2015. Collection method: clinical testing. Allele origin: germline.

Mayo Clinic Laboratories, Mayo Clinic
Classification: Benign. Last evaluated: 2022-05-05. Review status: criteria provided, single submitter. Criteria: ACMG Guidelines, 2015. Collection method: clinical testing. Allele origin: germline. Observed: 396 variant alleles.

Genome-Nilou Lab
Classification: Benign for Tyrosinemia type I. Last evaluated: 2021-07-01. Review status: criteria provided, single submitter. Criteria: ACMG Guidelines, 2015. Collection method: clinical testing. Allele origin: germline. Affected: no.

Illumina Laboratory Services, Illumina
Classification: Benign for Tyrosinemia type I. Last evaluated: 2018-01-13. Review status: criteria provided, single submitter. Criteria: ICSL Variant Classification Criteria 13 December 2019. Collection method: clinical testing. Allele origin: germline.
Comment: This variant was observed in the ICSL laboratory as part of a predisposition screen in an ostensibly healthy population. It had not been previously curated by ICSL or reported in the Human Gene Mutation Database (HGMD: prior to June 1st, 2018), and was therefore a candidate for classification through an automated scoring system. Utilizing variant allele frequency, disease prevalence and penetrance estimates, and inheritance mode, an automated score was calculated to assess if this variant is too frequent to cause the disease. Based on the score and internal cut-off values, a variant classified as benign is not then subjected to further curation. The score for this variant resulted in a classification of benign for this disease.

Eurofins Ntd Llc (ga)
Classification: Benign. Last evaluated: 2016-01-25. Review status: criteria provided, single submitter. Criteria: EGL Classification Definitions 2015. Collection method: clinical testing. Allele origin: germline. Observed: 11 variant alleles, 5 heterozygotes, 6 homozygotes.

GeneDx
Classification: Benign. Last evaluated: 2015-03-03. Review status: criteria provided, single submitter. Criteria: GeneDx Variant Classification Process June 2021. Collection method: clinical testing. Allele origin: germline. Affected: yes.

Breakthrough Genomics
Classification: Benign. Review status: criteria provided, single submitter. Criteria: ACMG Guidelines, 2015. Collection method: not provided. Allele origin: germline. Inheritance: Autosomal recessive inheritance. Affected: yes.

PreventionGenetics, part of Exact Sciences
Classification: Benign. Review status: criteria provided, single submitter. Criteria: ACMG Guidelines, 2015. Collection method: clinical testing. Allele origin: germline.

Natera, Inc.
Classification: Benign for Tyrosinemia type I. Last evaluated: 2019-07-26. Review status: no assertion criteria provided. Collection method: clinical testing. Allele origin: germline. Not counted in ClinVar's aggregate classification.

Diagnostic Laboratory, Department of Genetics, University Medical Center Groningen
Classification: Benign for Tyrosinemia type I. Review status: no assertion criteria provided. Collection method: clinical testing. Allele origin: germline. Affected: yes. Study: VKGL Data-share Consensus. Not counted in ClinVar's aggregate classification.

Genome Diagnostics Laboratory, University Medical Center Utrecht
Classification: Benign. Review status: no assertion criteria provided. Collection method: clinical testing. Allele origin: germline. Affected: yes. Study: VKGL Data-share Consensus. Not counted in ClinVar's aggregate classification.

Joint Genome Diagnostic Labs from Nijmegen and Maastricht, Radboudumc and MUMC+
Classification: Benign. Review status: no assertion criteria provided. Collection method: clinical testing. Allele origin: germline. Affected: yes. Study: VKGL Data-share Consensus. Not counted in ClinVar's aggregate classification.

NM_000137.4(FAH):c.82-13G>A

Gene: FAH (fumarylacetoacetate hydrolase; plus strand). Cytogenetic location: 15q25.1.
Variant type: single nucleotide variant.
Coding change: c.82-13G>A on transcript NM_000137.4 (MANE Select); 13 bases into the intron before coding-DNA position 82, G replaced by A.
Molecular consequence: intron variant.
Genome position (GRCh38, 1-based): chr15:80,158,047, G>A. VCF-style: chr15-80158047-G-A. GRCh37 (hg19) VCF-style: chr15-80450389-G-A.
Other names: p.?; c.82-13G>A (NM_001374377.1, NM_001374380.1).
Identifiers: ClinVar variation 92446 (VCV000092446.30), dbSNP rs1370275, ClinGen allele CA145746.